The following is an entry in ClinVar:

ClinVar aggregate classification (germline): Uncertain significance (1 of 4 stars; one submission).

Conditions:
Hyperphosphatasia with impaired intellectual development syndrome 2. Also called: Hyperphosphatasia with intellectual disability syndrome 2; GLYCOSYLPHOSPHATIDYLINOSITOL BIOSYNTHESIS DEFECT 6. Identifiers: Orphanet 247262, MedGen C3553637, MONDO:0013882, OMIM 614749.

Allele frequency attached by ClinVar (database versions not stated): TOPMed 0.00002; gnomAD exomes below 0.00001.
gnomAD v4.1: 1 of 1,614,214 alleles (0.000062%); highest among the groups gnomAD compares: Non-Finnish European, 0.000085%; no homozygotes.

Submission:

Labcorp Genetics (formerly Invitae), Labcorp
Classification: Uncertain significance for Hyperphosphatasia with impaired intellectual development syndrome 2. Last evaluated: 2020-03-23. Review status: criteria provided, single submitter. Criteria: Invitae Variant Classification Sherloc (09022015). Collection method: clinical testing. Allele origin: germline.
Comment: This sequence change affects codon 619 of the PIGO mRNA. It is a 'silent' change, meaning that it does not change the encoded amino acid sequence of the PIGO protein. This variant is not present in population databases (ExAC no frequency). This variant has not been reported in the literature in individuals with PIGO-related conditions. Algorithms developed to predict the effect of sequence changes on RNA splicing suggest that this variant may create or strengthen a splice site, but this prediction has not been confirmed by published transcriptional studies. In summary, the available evidence is currently insufficient to determine the role of this variant in disease. Therefore, it has been classified as a Variant of Uncertain Significance.

NM_032634.4(PIGO):c.1857A>G (p.Ala619=)

Gene: PIGO (phosphatidylinositol glycan anchor biosynthesis class O; minus strand). Cytogenetic location: 9p13.3.
Variant type: single nucleotide variant.
Coding change: c.1857A>G on transcript NM_032634.4 (MANE Select); coding-DNA position 1857, A replaced by G.
Protein change: p.Ala619=; no amino-acid change (alanine 619 retained).
Molecular consequence: synonymous variant. On other transcripts: intron variant (2).
Genome position (GRCh38, 1-based): chr9:35,092,030, T>C on the plus strand (A>G on the coding strand, the complement: PIGO is on the minus strand). VCF-style: chr9-35092030-T-C. GRCh37 (hg19) VCF-style: chr9-35092027-T-C.
Other names: c.1344+513A>G (NM_152850.4, NM_001201484.2).
Identifiers: ClinVar variation 1039738 (VCV001039738.8), dbSNP rs1278167055, ClinGen allele CA464603983.
Genomic context (GRCh38, chr9:35,092,030, plus strand): 5'-ATGAAAAAGCCCAGCTAGCCTTGTACATAAAAGCAACCCAATTCCAAGCCTCAGGGCATA[T>C]GCACCATTGTGCCGTGGGGGGTTTGTTGTGGCTGAAGTGCCAAGGCGGGGCATTGTGAGT-3'
Protein context (NP_116023.2, residues 609-629): ATTNPPRHNG[Ala619=]YALRLGIGLL